The following is an entry in ClinVar:

NM_001282874.2(SMARCA1):c.1070T>G (p.Leu357Ter)

Gene: SMARCA1 (SNF2 related chromatin remodeling ATPase 1; minus strand). Cytogenetic location: Xq26.1.
Variant type: single nucleotide variant.
Coding change: c.1070T>G on transcript NM_001282874.2 (MANE Select); coding-DNA position 1070, T replaced by G.
Protein change: p.Leu357Ter; replaces leucine 357 with a stop codon.
Molecular consequence: nonsense.
Genome position (GRCh38, 1-based): chrX:129,506,108, A>C on the plus strand (T>G on the coding strand, the complement: SMARCA1 is on the minus strand). VCF-style: chrX-129506108-A-C. GRCh37 (hg19) VCF-style: chrX-128640085-A-C.
Other names: c.1070T>G, p.Leu357Ter (NM_001282875.2, NM_001378261.1, NM_001378262.1 and 3 more transcripts); short protein forms L357*.
Identifiers: ClinVar variation 3901123 (VCV003901123.1).

ClinVar aggregate classification (germline): Likely pathogenic (1 of 4 stars; one submission).

Conditions:
Neurodevelopmental disorder. Identifiers: MedGen C1535926, MeSH D065886, MONDO:0700092.

Submission:

Developmental Brain Disorders Lab, Seattle Children's Hospital
Classification: Likely pathogenic for Neurodevelopmental disorder. Last evaluated: 2025-05-01. Review status: criteria provided, single submitter. Criteria: ACMG Guidelines, 2015. Collection method: research. Allele origin: maternal. Affected: yes.
Comment: This variant is a nonsense variant in a gene where loss of function is a proposed mechanism of disease. It is absent in gnomAD v4.1.0. It meets ACMG variant classification criteria (PVS1, PM2) (PMID:25741868).